The following is an entry in ClinVar:

NM_000018.4(ACADVL):c.1367G>A (p.Arg456His)

Gene: ACADVL (acyl-CoA dehydrogenase very long chain; plus strand). Cytogenetic location: 17p13.1.
Variant type: single nucleotide variant.
Coding change: c.1367G>A on transcript NM_000018.4 (MANE Select); coding-DNA position 1367, G replaced by A.
Protein change: p.Arg456His; replaces arginine 456 with histidine.
Molecular consequence: missense variant.
Genome position (GRCh38, 1-based): chr17:7,224,002, G>A. VCF-style: chr17-7224002-G-A. GRCh37 (hg19) VCF-style: chr17-7127321-G-A.
Other names: NM_000018.4(ACADVL):c.1367G>A; c.1301G>A, p.Arg434His (NM_001033859.3); c.1436G>A, p.Arg479His (NM_001270447.2); c.1139G>A, p.Arg380His (NM_001270448.2); short protein forms R456H, R479H, R434H, R380H.
Identifiers: ClinVar variation 194316 (VCV000194316.27), dbSNP rs794727112, ClinGen allele CA240224.

ClinVar aggregate classification (germline): Likely pathogenic. Review status: reviewed by expert panel (3 of 4 stars). 9 submissions from 9 submitters: Likely pathogenic (1). 8 of the submissions do not count toward it. Last evaluated 2024-04-23.

Conditions:
ACADVL-related disorder. Also called: ACADVL-related condition.
Very long chain acyl-CoA dehydrogenase deficiency (ACADVLD). Also called: VLCAD Deficiency; Very Long-Chain Acyl-Coenzyme A Dehydrogenase Deficiency. Identifiers: Orphanet 26793, MedGen C3887523, MONDO:0008723, OMIM 201475.

Allele frequency attached by ClinVar (database versions not stated): gnomAD exomes 0.00001; TOPMed 0.00001.
gnomAD v4.1: 21 of 1,613,784 alleles (0.0013%); highest among the groups gnomAD compares: Middle Eastern, 0.016%; no homozygotes.

Submissions (9):

ClinGen ACADVL Variant Curation Expert Panel, ClinGen
Classification: Likely pathogenic for Very long chain acyl-CoA dehydrogenase deficiency. Last evaluated: 2024-04-23. Review status: reviewed by expert panel. Criteria: clingen acadvl acmg specifications v1. Collection method: curation. Allele origin: germline. Inheritance: Autosomal recessive inheritance.
Comment: The c.1367G>A (NM_000018.4) variant in ACADVL is a missense variant predicted to cause substitution of arginine by histidine at amino acid 456 (p.Arg456His). This variant has been detected in at least four individuals with very long chain acyl CoA dehydrogenase (VLCAD) deficiency and VLCAD enzyme activity of less than 20%, which is highly specific for VLCAD deficiency (PP4_Moderate, PMIDs: 30194637, 17206456). Of those individuals, one individual was presumed homozygous for the variant and two were confirmed compound heterozygous for the variant and a distinct variant, one of which is approved by the ACADVL VCEP as pathogenic (PM3, 1.5 points, PMIDs: 30194637, 17206456). The highest population minor allele frequency in gnomAD v2.1.1 is 0.00001709 in the European non-Finnish population, which is lower than the ClinGen ACADVL Variant Curation Expert Panel threshold (<0.001) for PM2_Supporting, meeting this criterion (PM2_Supporting). The computational predictor REVEL gives a score of 0.947, which is above the threshold of 0.75, evidence that correlates with impact to ACADVL function (PP3). In summary, this variant meets the criteria to be classified as likely pathogenic for autosomal recessive VLCAD deficiency based on the ACMG/AMP criteria applied, as specified by the ClinGen ACADVL Variant Curation Expert Panel: PM2_Supporting, PM3, PP3, PP4_Moderate (ACADVL VCEP specifications version 1; approved November 9, 2021).

Labcorp Genetics (formerly Invitae), Labcorp
Classification: Pathogenic for Very long chain acyl-CoA dehydrogenase deficiency. Last evaluated: 2025-12-30. Review status: criteria provided, single submitter. Criteria: Invitae Variant Classification Sherloc (09022015). Collection method: clinical testing. Allele origin: germline. Not counted in ClinVar's aggregate classification.
Comment: This sequence change replaces arginine, which is basic and polar, with histidine, which is basic and polar, at codon 456 of the ACADVL protein (p.Arg456His). This variant is not present in population databases (gnomAD no frequency). This missense change has been observed in individual(s) with very long-chain acyl-CoA dehydrogenase deficiency (PMID: 17206456, 30194637). ClinVar contains an entry for this variant (Variation ID: 194316). Invitae Evidence Modeling of protein sequence and biophysical properties (such as structural, functional, and spatial information, amino acid conservation, physicochemical variation, residue mobility, and thermodynamic stability) indicates that this missense variant is expected to disrupt ACADVL protein function with a positive predictive value of 80%. For these reasons, this variant has been classified as Pathogenic.

Blueprint Genetics
Classification: Pathogenic for ACADVL-related disorders. Last evaluated: 2024-07-09. Review status: criteria provided, single submitter. Criteria: ACMG Guidelines, 2015. Collection method: clinical testing. Allele origin: germline. Affected: yes. Observed: 2 variant alleles. Not counted in ClinVar's aggregate classification.

Natera, Inc.
Classification: Likely pathogenic for Very long chain acyl-CoA dehydrogenase deficiency. Last evaluated: 2024-06-20. Review status: criteria provided, single submitter. Criteria: Natera Variant Classification Schema (03/2026). Collection method: clinical testing. Allele origin: germline. Not counted in ClinVar's aggregate classification.
Comment: The c.1367G>A variant in ACADVL is a missense variant predicted to cause substitution of arginine to histidine at amino acid 456. This variant is rare in the general population with a frequency below the threshold expected for the associated phenotype(s). This variant has been observed in one or more individuals affected with the associated recessive disease, as either homozygous or compound heterozygous with a second variant (PMID: 30194637, 36246604, 29268767, 17206456). This variant has been identified in one or more affected individual with a phenotype highly consistent with the associated gene (PMID: 30194637). Computational prediction algorithms indicate this variant is likely to affect gene or protein function. Given the available evidence, this variant is classified as Likely Pathogenic.

Myriad Genetics, Inc.
Classification: Likely pathogenic for Very long chain acyl-CoA dehydrogenase deficiency. Last evaluated: 2024-04-19. Review status: criteria provided, single submitter. Criteria: Myriad Autosomal Dominant, Autosomal Recessive and X-Linked Classification Criteria (2023). Collection method: clinical testing. Allele origin: unknown. Not counted in ClinVar's aggregate classification.
Comment: NM_000018.3(ACADVL):c.1367G>A(R456H) is a missense variant classified as likely pathogenic in the context of very-long-chain acyl-CoA dehydrogenase deficiency. R456H has been observed in cases with relevant disease (PMID: 30194637, 17206456, Schymik_2007_Thesis). Relevant functional assessments of this variant are not available in the literature. R456H has not been observed in referenced population frequency databases. In summary, NM_000018.3(ACADVL):c.1367G>A(R456H) is a missense variant that has been observed more frequently in cases with the relevant disease than in healthy populations. Please note: this variant was assessed in the context of healthy population screening.

Baylor Genetics
Classification: Pathogenic for Very long chain acyl-CoA dehydrogenase deficiency. Last evaluated: 2023-12-13. Review status: criteria provided, single submitter. Criteria: ACMG Guidelines, 2015. Collection method: clinical testing. Allele origin: unknown. Not counted in ClinVar's aggregate classification.

Wong Mito Lab, Molecular and Human Genetics, Baylor College of Medicine
Classification: Pathogenic for Very long chain acyl-CoA dehydrogenase deficiency. Last evaluated: 2019-11-01. Review status: criteria provided, single submitter. Criteria: ACMG Guidelines, 2015. Collection method: clinical testing. Allele origin: germline. Not counted in ClinVar's aggregate classification.
Comment: The NM_000018.3:c.1367G>A (NP_000009.1:p.Arg456His) [GRCH38: NC_000017.11:g.7224002G>A] variant in ACADVL gene is interpretated to be Pathogenic based on ACMG guidelines (PMID: 25741868). This variant has been reported in PMID: 9973285; 17206456. This variant meets the following evidence codes reported in the ACMG guidelines: PS1, PS3

Mendelics
Classification: Pathogenic for Very long chain acyl-CoA dehydrogenase deficiency. Last evaluated: 2019-05-28. Review status: criteria provided, single submitter. Criteria: Mendelics Assertion Criteria 2017. Collection method: clinical testing. Allele origin: unknown. Not counted in ClinVar's aggregate classification.

Eurofins Ntd Llc (ga)
Classification: Uncertain significance. Last evaluated: 2014-11-24. Review status: criteria provided, single submitter. Criteria: EGL Classification Definitions 2015. Collection method: clinical testing. Allele origin: germline. Observed: 1 variant allele, 1 heterozygote. Not counted in ClinVar's aggregate classification.

Literature cited by the submitters: PubMed 17206456 (cited by 3 submitters); PubMed 30194637 (cited by Labcorp Genetics (formerly Invitae), Labcorp and Natera, Inc.); PubMed 36246604 (cited by Natera, Inc.); PubMed 29268767 (cited by Natera, Inc.); PubMed 9973285 (cited by Wong Mito Lab, Molecular and Human Genetics, Baylor College of Medicine and Eurofins Ntd Llc (ga)); PubMed 21932095 (cited by Eurofins Ntd Llc (ga)).